The following is an entry in ClinVar:

NM_000035.4(ALDOB):c.439A>T (p.Lys147Ter)

Gene: ALDOB (aldolase, fructose-bisphosphate B; minus strand). Cytogenetic location: 9q31.1.
Variant type: single nucleotide variant.
Coding change: c.439A>T on transcript NM_000035.4 (MANE Select); coding-DNA position 439, A replaced by T.
Protein change: p.Lys147Ter; replaces lysine 147 with a stop codon.
Molecular consequence: nonsense.
Genome position (GRCh38, 1-based): chr9:101,427,583, T>A on the plus strand (A>T on the coding strand, the complement: ALDOB is on the minus strand). VCF-style: chr9-101427583-T-A. GRCh37 (hg19) VCF-style: chr9-104189865-T-A.
Other names: short protein forms K147*.
Identifiers: ClinVar variation 983978 (VCV000983978.3), dbSNP rs1831150965, ClinGen allele CA374265357.
Genomic context (GRCh38, chr9:101,427,583, plus strand): 5'-TTTCCTGGATAGCGAGGCTGGATGGACACTGGTCGGCAATCCTCAGCACAGCACGCCACT[T>A]CCCAAAGTCAACACCATCTTTCTTGTACTGAGCACAGCGCTCTGAGAGGCCATCAAGCCC-3'

ClinVar aggregate classification (germline): Likely pathogenic (1 of 4 stars; one submission).

Conditions:
Hereditary fructosuria. Also called: Hereditary fructose intolerance; ALDOB DEFICIENCY; ALDOLASE B DEFICIENCY; FRUCTOSE-1,6-BISPHOSPHATE ALDOLASE B DEFICIENCY; FRUCTOSE-1-PHOSPHATE ALDOLASE DEFICIENCY; FRUCTOSEMIA. Identifiers: Orphanet 469, MedGen C0016751, MONDO:0009249, OMIM 229600, HP:0005973. Disease mechanism: loss of function.

Submission:

Myriad Genetics, Inc.
Classification: Likely pathogenic for Hereditary fructosuria. Last evaluated: 2019-03-30. Review status: criteria provided, single submitter. Criteria: Myriad Women's Health Autosomal Recessive and X-Linked Classification Criteria (2019). Collection method: clinical testing. Allele origin: unknown.
Comment: NM_000035.3(ALDOB):c.439A>T(K147*) is expected to be pathogenic in the context of hereditary fructose intolerance. This variant is predicted to lead to an abnormal or absent protein product due to the creation of a premature termination codon in ALDOB, a gene where loss-of-function variants are known to be pathogenic. Please note: this variant was assessed in the context of healthy population screening.